The following is an entry in ClinVar:

NM_000214.3(JAG1):c.3570G>A (p.Pro1190=)

Gene: JAG1 (jagged canonical Notch ligand 1; minus strand). Cytogenetic location: 20p12.2.
Variant type: single nucleotide variant.
Coding change: c.3570G>A on transcript NM_000214.3 (MANE Select); coding-DNA position 3570, G replaced by A.
Protein change: p.Pro1190=; no amino-acid change (proline 1190 retained).
Molecular consequence: synonymous variant.
Genome position (GRCh38, 1-based): chr20:10,639,585, C>T on the plus strand (G>A on the coding strand, the complement: JAG1 is on the minus strand). VCF-style: chr20-10639585-C-T. GRCh37 (hg19) VCF-style: chr20-10620233-C-T.
Other names: c.3570G>A, p.Pro1190= (LRG_1191t1).
Identifiers: ClinVar variation 337743 (VCV000337743.39), dbSNP rs201572666, ClinGen allele CA9764183.
Genomic context (GRCh38, chr20:10,639,585, plus strand): 5'-GCTCTGGGCACTTTCCAAGTCTCTGTTGTCCTGTTTGTTTGTCCAGTTTGGGTGTTTTGT[C>T]GGCGTGCCGTTGGGGGGCTTCTCTTCTCTGTCTACCAGCGTGTACGCCGGCTGCTTGGCA-3'
Protein context (NP_000205.1, residues 1180-1200): DREEKPPNGT[Pro1190=]TKHPNWTNKQ

ClinVar aggregate classification (germline): Conflicting classifications of pathogenicity. Review status: criteria provided, conflicting classifications (1 of 4 stars). 8 submissions from 8 submitters: Uncertain significance (1); Benign (1); Likely benign (3). 3 of the submissions do not count toward it. Last evaluated 2026-09-01.

Conditions:
Cardiovascular phenotype. Identifiers: MedGen CN230736.
Alagille syndrome due to a JAG1 point mutation. Also called: JAG1-Related Alagille Syndrome; Alagille Syndrome 1; HEPATIC DUCTULAR HYPOPLASIA, SYNDROMATIC. Identifiers: Orphanet 261619, Orphanet 52, MedGen C1956125, MONDO:0016862, OMIM 118450.
JAG1-related disorder. Also called: JAG1-related condition; JAG1-related disorders.
Isolated Nonsyndromic Congenital Heart Disease.

Allele frequency attached by ClinVar (database versions not stated): gnomAD 0.00005; gnomAD exomes 0.00006 and 0.00007; TOPMed 0.00007; ExAC 0.00008; ESP Exome Variant Server 0.00008; 1000 Genomes Project 0.00020; 1000 Genomes Project 30x 0.00031.
gnomAD v4.1: 117 of 1,614,152 alleles (0.0072%); highest among the groups gnomAD compares: South Asian, 0.02%; 2 homozygotes.

Submissions (8):

CeGaT Center for Human Genetics Tuebingen
Classification: Likely benign. Last evaluated: 2026-09-01. Review status: criteria provided, single submitter. Criteria: CeGaT Center For Human Genetics Tuebingen Variant Classification Criteria Version 2. Collection method: clinical testing. Allele origin: germline. Affected: yes. Observed: 3 variant alleles.
Comment: JAG1: BP4, BP7

Labcorp Genetics (formerly Invitae), Labcorp
Classification: Benign for Alagille syndrome due to a JAG1 point mutation. Last evaluated: 2025-10-12. Review status: criteria provided, single submitter. Criteria: Invitae Variant Classification Sherloc (09022015). Collection method: clinical testing. Allele origin: germline.

Blueprint Genetics
Classification: Likely benign. Last evaluated: 2022-09-28. Review status: criteria provided, single submitter. Criteria: ACMG Guidelines, 2015. Collection method: clinical testing. Allele origin: germline.

Ambry Genetics
Classification: Likely benign for Cardiovascular phenotype. Last evaluated: 2022-03-03. Review status: criteria provided, single submitter. Criteria: Ambry Variant Classification Scheme 2023. Collection method: clinical testing. Allele origin: germline.

Illumina Laboratory Services, Illumina
Classification: Uncertain significance for Isolated Nonsyndromic Congenital Heart Disease. Last evaluated: 2018-01-12. Review status: criteria provided, single submitter. Criteria: ICSL Variant Classification Criteria 13 December 2019. Collection method: clinical testing. Allele origin: germline.

PreventionGenetics, part of Exact Sciences
Classification: Likely benign for JAG1-related condition. Last evaluated: 2022-04-27. Review status: no assertion criteria provided. Collection method: clinical testing. Allele origin: germline. Not counted in ClinVar's aggregate classification.
Comment: This variant is classified as likely benign based on ACMG/AMP sequence variant interpretation guidelines (Richards et al. 2015 PMID: 25741868, with internal and published modifications).

Clinical Genetics DNA and cytogenetics Diagnostics Lab, Erasmus MC, Erasmus Medical Center
Classification: Likely benign. Review status: no assertion criteria provided. Collection method: clinical testing. Allele origin: germline. Affected: yes. Study: VKGL Data-share Consensus. Not counted in ClinVar's aggregate classification.

Genome Diagnostics Laboratory, University Medical Center Utrecht
Classification: Likely benign. Review status: no assertion criteria provided. Collection method: clinical testing. Allele origin: germline. Affected: yes. Study: VKGL Data-share Consensus. Not counted in ClinVar's aggregate classification.